The following is an entry in ClinVar:

NM_002471.4(MYH6):c.4757A>T (p.Glu1586Val)

Genes: MYH6 (myosin heavy chain 6; minus strand), LOC126861896 (BRD4-independent group 4 enhancer GRCh37_chr14:23854904-23856103; plus strand). Cytogenetic location: 14q11.2.
Variant type: single nucleotide variant.
Coding change: c.4757A>T on transcript NM_002471.4 (MANE Select); coding-DNA position 4757, A replaced by T.
Protein change: p.Glu1586Val; replaces glutamic acid 1586 with valine.
Molecular consequence: missense variant.
Genome position (GRCh38, 1-based): chr14:23,386,517, T>A on the plus strand (A>T on the coding strand, the complement: MYH6 is on the minus strand). VCF-style: chr14-23386517-T-A. GRCh37 (hg19) VCF-style: chr14-23855726-T-A.
Other names: short protein forms E1586V.
Identifiers: ClinVar variation 1742867 (VCV001742867.4), dbSNP rs1566505816, ClinGen allele CA388992367.

ClinVar aggregate classification (germline): Uncertain significance (1 of 4 stars; one submission).

Conditions:
Cardiovascular phenotype. Identifiers: MedGen CN230736.

Allele frequency attached by ClinVar (database versions not stated): gnomAD exomes below 0.00001; gnomAD 0.00001.
gnomAD v4.1: 2 of 1,613,996 alleles (0.00012%); highest among the groups gnomAD compares: Non-Finnish European, 0.00017%; no homozygotes.

Submission:

Ambry Genetics
Classification: Uncertain significance for Cardiovascular phenotype. Last evaluated: 2025-03-25. Review status: criteria provided, single submitter. Criteria: Ambry Variant Classification Scheme 2023. Collection method: clinical testing. Allele origin: germline.
Comment: The p.E1586V variant (also known as c.4757A>T), located in coding exon 31 of the MYH6 gene, results from an A to T substitution at nucleotide position 4757. The glutamic acid at codon 1586 is replaced by valine, an amino acid with dissimilar properties. This amino acid position is well conserved in available vertebrate species. In addition, the in silico prediction for this alteration is inconclusive. Since supporting evidence is limited at this time, the clinical significance of this alteration remains unclear.